The following is an entry in ClinVar:

ClinVar aggregate classification (germline): Uncertain significance (1 of 4 stars; one submission).

Allele frequency attached by ClinVar (database versions not stated): TOPMed 0.00001; gnomAD 0.00006; gnomAD exomes below 0.00001.
gnomAD v4.1: 5 of 1,518,032 alleles (0.00033%); highest among the groups gnomAD compares: East Asian, 0.011%; no homozygotes.

Submission:

GeneDx
Classification: Uncertain significance. Last evaluated: 2018-01-17. Review status: criteria provided, single submitter. Criteria: GeneDx Variant Classification (06012015). Collection method: clinical testing. Allele origin: germline. Affected: yes.
Comment: The c.350-7 C>G variant has not been published as a pathogenic variant, nor has it been reported as a benign variant to our knowledge. The c.350-7 C>G variant is not observed at a significant frequency in large population cohorts (Lek et al., 2016). Several in silico splice prediction models predict that c.350-7 C>G may damage the natural acceptor site and lead to abnormal gene splicing. However, in the absence of RNA/functional studies, the actual effect of this sequence change in this individual is unknown. Therefore, based on the currently available information, it is unclear whether this variant is a pathogenic variant or a rare benign variant.

NM_002291.3(LAMB1):c.350-7C>G

Gene: LAMB1 (laminin subunit beta 1; minus strand). Cytogenetic location: 7q31.1.
Variant type: single nucleotide variant.
Coding change: c.350-7C>G on transcript NM_002291.3 (MANE Select); 7 bases into the intron before coding-DNA position 350, C replaced by G.
Molecular consequence: intron variant.
Genome position (GRCh38, 1-based): chr7:107,994,967, G>C on the plus strand (C>G on the coding strand, the complement: LAMB1 is on the minus strand). VCF-style: chr7-107994967-G-C. GRCh37 (hg19) VCF-style: chr7-107635412-G-C.
Identifiers: ClinVar variation 489341 (VCV000489341.2), dbSNP rs1352089195, ClinGen allele CA577050036.